The following is an entry in ClinVar:

ClinVar aggregate classification (germline): Likely pathogenic. Review status: criteria provided, multiple submitters, no conflicts (2 of 4 stars). 2 submissions from 2 submitters: Likely pathogenic (2). Last evaluated 2024-04-24.

Conditions:
Argininosuccinate lyase deficiency. Also called: Argininosuccinic aciduria; ARGININOSUCCINIC ACID LYASE DEFICIENCY; ASL DEFICIENCY. Identifiers: Orphanet 23, MedGen C0268547, MONDO:0008815, OMIM 207900, HP:0025630.

Allele frequency attached by ClinVar (database versions not stated): gnomAD exomes below 0.00001.
gnomAD v4.1: 1 of 1,606,082 alleles (0.000062%); highest among the groups gnomAD compares: Admixed American, 0.0017%; no homozygotes.

Submissions (2):

Natera, Inc.
Classification: Likely pathogenic for Argininosuccinate lyase deficiency. Last evaluated: 2024-04-24. Review status: criteria provided, single submitter. Criteria: Natera Variant Classification Schema (03/2026). Collection method: clinical testing. Allele origin: germline.
Comment: The c.623C>G variant in ASL is a missense variant predicted to cause substitution of proline to arginine at amino acid 208. This variant is rare in the general population with a frequency below the threshold expected for the associated phenotype(s). This variant has been observed to segregate in affected family members (PMID: 25433810). A different variant at the same position has been determined to be Pathogenic or Likely Pathogenic. Computational prediction algorithms indicate this variant is likely to affect gene or protein function. Given the available evidence, this variant is classified as Likely Pathogenic.

Baylor Genetics
Classification: Likely pathogenic for Argininosuccinate lyase deficiency. Last evaluated: 2024-01-11. Review status: criteria provided, single submitter. Criteria: ACMG Guidelines, 2015. Collection method: clinical testing. Allele origin: unknown.

Literature cited by the submitters: PubMed 25433810 (cited by Natera, Inc.).

NM_000048.4(ASL):c.623C>G (p.Pro208Arg)

Gene: ASL (argininosuccinate lyase; plus strand). Cytogenetic location: 7q11.21.
Variant type: single nucleotide variant.
Coding change: c.623C>G on transcript NM_000048.4 (MANE Select); coding-DNA position 623, C replaced by G.
Protein change: p.Pro208Arg; replaces proline 208 with arginine.
Molecular consequence: missense variant.
Genome position (GRCh38, 1-based): chr7:66,087,354, C>G. VCF-style: chr7-66087354-C-G. GRCh37 (hg19) VCF-style: chr7-65552341-C-G.
Other names: c.623C>G (NM_000048.3); c.623C>G, p.Pro208Arg (NM_001024943.2, NM_001024944.2); c.545C>G, p.Pro182Arg (NM_001024946.2); short protein forms P182R, P208R.
Identifiers: ClinVar variation 3237464 (VCV003237464.2), dbSNP rs1263616535.